The following is an entry in ClinVar:

ClinVar aggregate classification (germline): Uncertain significance. Review status: criteria provided, multiple submitters, no conflicts (2 of 4 stars). 3 submissions from 3 submitters: Uncertain significance (3). Last evaluated 2025-11-25.

Allele frequency attached by ClinVar (database versions not stated): gnomAD exomes 0.00007 and 0.00008; ExAC 0.00010; gnomAD 0.00010; TOPMed 0.00011; ESP Exome Variant Server 0.00015; 1000 Genomes Project 30x 0.00016.
gnomAD v4.1: 136 of 1,614,184 alleles (0.0084%); highest among the groups gnomAD compares: Non-Finnish European, 0.01%; 1 homozygote.

Submissions (3):

Labcorp Genetics (formerly Invitae), Labcorp
Classification: Uncertain significance. Last evaluated: 2025-11-25. Review status: criteria provided, single submitter. Criteria: Invitae Variant Classification Sherloc (09022015). Collection method: clinical testing. Allele origin: germline.
Comment: This sequence change replaces proline, which is neutral and non-polar, with leucine, which is neutral and non-polar, at codon 282 of the RGR protein (p.Pro282Leu). This variant is present in population databases (rs200927654, gnomAD 0.01%). This variant has not been reported in the literature in individuals affected with RGR-related conditions. ClinVar contains an entry for this variant (Variation ID: 834735). An algorithm developed to predict the effect of missense changes on protein structure and function outputs the following: PolyPhen-2: "Not Available". The leucine amino acid residue is found in multiple mammalian species, which suggests that this missense change does not adversely affect protein function. In summary, the available evidence is currently insufficient to determine the role of this variant in disease. Therefore, it has been classified as a Variant of Uncertain Significance.

Ambry Genetics
Classification: Uncertain significance. Last evaluated: 2025-03-07. Review status: criteria provided, single submitter. Criteria: Ambry Variant Classification Scheme 2023. Collection method: clinical testing. Allele origin: germline.

Blueprint Genetics
Classification: Uncertain significance. Last evaluated: 2024-07-29. Review status: criteria provided, single submitter. Criteria: ACMG Guidelines, 2015. Collection method: clinical testing. Allele origin: germline.

NM_001012720.2(RGR):c.845C>T (p.Pro282Leu)

Gene: RGR (retinal G protein coupled receptor; plus strand). Cytogenetic location: 10q23.1.
Variant type: single nucleotide variant.
Coding change: c.845C>T on transcript NM_001012720.2 (MANE Select); coding-DNA position 845, C replaced by T.
Protein change: p.Pro282Leu; replaces proline 282 with leucine.
Molecular consequence: missense variant.
Genome position (GRCh38, 1-based): chr10:84,258,608, C>T. VCF-style: chr10-84258608-C-T. GRCh37 (hg19) VCF-style: chr10-86018364-C-T.
Other names: c.731C>T, p.Pro244Leu (NM_001012722.2); c.857C>T, p.Pro286Leu (NM_002921.4); short protein forms P282L, P244L, P286L.
Identifiers: ClinVar variation 834735 (VCV000834735.9), dbSNP rs200927654, ClinGen allele CA5581603.